The following is an entry in ClinVar:

NM_022042.4(SLC26A1):c.544A>G (p.Thr182Ala)

Genes: IDUA (alpha-L-iduronidase; plus strand), SLC26A1 (solute carrier family 26 member 1; minus strand). Cytogenetic location: 4p16.3.
Variant type: single nucleotide variant.
Coding change: c.544A>G on transcript NM_022042.4 (MANE Select); coding-DNA position 544, A replaced by G.
Protein change: p.Thr182Ala; replaces threonine 182 with alanine.
Molecular consequence: missense variant. On other transcripts: intron variant (1).
Genome position (GRCh38, 1-based): chr4:991,160, T>C on the plus strand (A>G on the coding strand, the complement: SLC26A1 is on the minus strand). VCF-style: chr4-991160-T-C. GRCh37 (hg19) VCF-style: chr4-984948-T-C.
Other names: c.544A>G, p.Thr182Ala (NM_134425.4, NM_213613.4); c.299+3211T>C (NM_000203.5); c.544A>G (NM_022042.3); short protein forms T182A.
Identifiers: ClinVar variation 719666 (VCV000719666.9), dbSNP rs149867035, ClinGen allele CA2801635.

ClinVar aggregate classification (germline): Likely benign. Review status: criteria provided, multiple submitters, no conflicts (2 of 4 stars). 3 submissions from 3 submitters: Likely benign (3). Last evaluated 2025-10-03.

Conditions:
SLC26A1-related disorder. Also called: SLC26A1-related condition.

Allele frequency attached by ClinVar (database versions not stated): gnomAD exomes 0.00009 and 0.00032; ExAC 0.00030; ESP Exome Variant Server 0.00100; gnomAD 0.00112 and 0.00118; TOPMed 0.00116; 1000 Genomes Project 0.00160.
gnomAD v4.1: 299 of 1,560,046 alleles (0.019%); highest among the groups gnomAD compares: African/African-American, 0.34%; no homozygotes.

Submissions (3):

Labcorp Genetics (formerly Invitae), Labcorp
Classification: Likely benign. Last evaluated: 2025-10-03. Review status: criteria provided, single submitter. Criteria: Invitae Variant Classification Sherloc (09022015). Collection method: clinical testing. Allele origin: germline.

PreventionGenetics, part of Exact Sciences
Classification: Likely benign for SLC26A1-related condition. Last evaluated: 2024-11-20. Review status: criteria provided, single submitter. Criteria: ACMG Guidelines, 2015. Collection method: clinical testing. Allele origin: germline.
Comment: This variant is classified as likely benign based on ACMG/AMP sequence variant interpretation guidelines (Richards et al. 2015 PMID: 25741868, with internal and published modifications).

Breakthrough Genomics
Classification: Likely benign. Review status: criteria provided, single submitter. Criteria: ACMG Guidelines, 2015. Collection method: not provided. Allele origin: germline. Inheritance: Autosomal recessive inheritance. Affected: yes.